The following is an entry in ClinVar:

NM_004360.5(CDH1):c.631A>G (p.Thr211Ala)

Gene: CDH1 (cadherin 1; plus strand). Cytogenetic location: 16q22.1.
Variant type: single nucleotide variant.
Coding change: c.631A>G on transcript NM_004360.5 (MANE Select); coding-DNA position 631, A replaced by G.
Protein change: p.Thr211Ala; replaces threonine 211 with alanine.
Molecular consequence: missense variant. On other transcripts: 5 prime UTR variant (2).
Genome position (GRCh38, 1-based): chr16:68,808,792, A>G. VCF-style: chr16-68808792-A-G. GRCh37 (hg19) VCF-style: chr16-68842695-A-G.
Other names: c.631A>G (LRG_301t1); c.631A>G, p.Thr211Ala (NM_001317184.2); c.-985A>G (NM_001317185.2); c.-1189A>G (NM_001317186.2); short protein forms T211A.
Identifiers: ClinVar variation 570732 (VCV000570732.16), dbSNP rs587781766, ClinGen allele CA283297215.

ClinVar aggregate classification (germline): Uncertain significance. Review status: criteria provided, multiple submitters, no conflicts (2 of 4 stars). 4 submissions from 4 submitters: Uncertain significance (4). Last evaluated 2025-11-18.

Conditions:
Blepharocheilodontic syndrome 1 (BCDS1). Identifiers: Orphanet 1997, MedGen C4551988, MONDO:0054740, OMIM 119580.
Familial cancer of breast. Also called: BREAST CANCER, FAMILIAL; hereditary breast carcinoma; Hereditary breast cancer. Identifiers: Orphanet 227535, MedGen C0346153, MONDO:0016419, OMIM 114480. Disease mechanism: loss of function.
Endometrial carcinoma. Also called: Endometrial carcinoma, somatic. Identifiers: MedGen C0476089, MONDO:0002447, OMIM 608089, HP:0012114.
Hereditary diffuse gastric adenocarcinoma (HDGC). Also called: DIFFUSE GASTRIC AND LOBULAR BREAST CANCER SYNDROME. Identifiers: Orphanet 26106, MedGen C1708349, MONDO:0007648, OMIM 137215.
Ovarian neoplasm. Also called: Ovarian tumor; Neoplasm of ovary; Ovarian Neoplasms. Identifiers: MedGen C0919267, MeSH D010051, MONDO:0021068, HP:0100615.
Prostate cancer. Also called: Malignant tumor of prostate. Identifiers: Orphanet 1331, MedGen C0376358, MONDO:0008315, HP:0012125.
Hereditary cancer-predisposing syndrome. Also called: Neoplastic Syndromes, Hereditary; Hereditary neoplastic syndrome; Tumor predisposition; Hereditary Cancer Syndrome. Identifiers: Orphanet 140162, MedGen C0027672, MeSH D009386, MONDO:0015356.

Allele frequency attached by ClinVar (database versions not stated): gnomAD 0.00001; TOPMed 0.00001.
gnomAD v4.1: 1 of 1,614,068 alleles (0.000062%); highest among the groups gnomAD compares: African/African-American, 0.0013%; no homozygotes.

Submissions (4):

Labcorp Genetics (formerly Invitae), Labcorp
Classification: Uncertain significance for Hereditary diffuse gastric adenocarcinoma. Last evaluated: 2025-11-18. Review status: criteria provided, single submitter. Criteria: Invitae Variant Classification Sherloc (09022015). Collection method: clinical testing. Allele origin: germline.
Comment: This sequence change replaces threonine, which is neutral and polar, with alanine, which is neutral and non-polar, at codon 211 of the CDH1 protein (p.Thr211Ala). This variant is not present in population databases (gnomAD no frequency). This variant has not been reported in the literature in individuals affected with CDH1-related conditions. ClinVar contains an entry for this variant (Variation ID: 570732). An algorithm developed to predict the effect of missense changes on protein structure and function (PolyPhen-2) suggests that this variant is likely to be disruptive. In summary, the available evidence is currently insufficient to determine the role of this variant in disease. Therefore, it has been classified as a Variant of Uncertain Significance.

Quest Diagnostics Nichols Institute San Juan Capistrano
Classification: Uncertain significance. Last evaluated: 2025-06-09. Review status: criteria provided, single submitter. Criteria: Quest Diagnostics criteria. Collection method: clinical testing. Allele origin: unknown.
Comment: The CDH1 c.631A>G (p.Thr211Ala) variant has not been reported in individuals with CDH1-related conditions in the published literature. The frequency of this variant in the general population (Genome Aggregation Database) is uninformative in the assessment of its pathogenicity. Analysis of this variant using bioinformatics tools for the prediction of the effect of amino acid changes on protein structure and function yielded predictions that this variant is benign. Based on the available information, we are unable to determine the clinical significance of this variant.

Ambry Genetics
Classification: Uncertain significance for Hereditary cancer-predisposing syndrome. Last evaluated: 2024-09-03. Review status: criteria provided, single submitter. Criteria: Ambry Variant Classification Scheme 2023. Collection method: clinical testing. Allele origin: germline.
Comment: The p.T211A variant (also known as c.631A>G), located in coding exon 5 of the CDH1 gene, results from an A to G substitution at nucleotide position 631. The threonine at codon 211 is replaced by alanine, an amino acid with similar properties. This amino acid position is not well conserved in available vertebrate species. In addition, this alteration is predicted to be tolerated by in silico analysis. Since supporting evidence is limited at this time, the clinical significance of this alteration remains unclear.

Fulgent Genetics
Classification: Uncertain significance for Familial cancer of breast; Blepharocheilodontic syndrome 1; Hereditary diffuse gastric adenocarcinoma; Ovarian cancer; Familial prostate cancer; Endometrial carcinoma. Last evaluated: 2021-10-29. Review status: criteria provided, single submitter. Criteria: ACMG Guidelines, 2015. Collection method: clinical testing. Allele origin: unknown.